The following is an entry in ClinVar:

NM_004655.4(AXIN2):c.2038A>G (p.Thr680Ala)

Gene: AXIN2 (axin 2; minus strand). Cytogenetic location: 17q24.1.
Variant type: single nucleotide variant.
Coding change: c.2038A>G on transcript NM_004655.4 (MANE Select); coding-DNA position 2038, A replaced by G.
Protein change: p.Thr680Ala; replaces threonine 680 with alanine.
Molecular consequence: missense variant.
Genome position (GRCh38, 1-based): chr17:65,536,423, T>C on the plus strand (A>G on the coding strand, the complement: AXIN2 is on the minus strand). VCF-style: chr17-65536423-T-C. GRCh37 (hg19) VCF-style: chr17-63532541-T-C.
Other names: c.1843A>G, p.Thr615Ala (NM_001363813.1); short protein forms T615A, T680A.
Identifiers: ClinVar variation 1060353 (VCV001060353.12), dbSNP rs1255307307, ClinGen allele CA400676113.

ClinVar aggregate classification (germline): Uncertain significance. Review status: criteria provided, multiple submitters, no conflicts (2 of 4 stars). 2 submissions from 2 submitters: Uncertain significance (2). Last evaluated 2024-11-07.

Conditions:
Hereditary cancer-predisposing syndrome. Also called: Neoplastic Syndromes, Hereditary; Hereditary Cancer Syndrome; Hereditary neoplastic syndrome; Tumor predisposition. Identifiers: Orphanet 140162, MedGen C0027672, MeSH D009386, MONDO:0015356.
Oligodontia-cancer predisposition syndrome. Also called: TOOTH AGENESIS-COLORECTAL CANCER SYNDROME. Identifiers: Orphanet 300576, MedGen C1837750, MONDO:0012075, OMIM 608615. Disease mechanism: loss of function.

Allele frequency attached by ClinVar (database versions not stated): TOPMed below 0.00001.

Submissions (2):

Ambry Genetics
Classification: Uncertain significance for Hereditary cancer-predisposing syndrome. Last evaluated: 2024-11-07. Review status: criteria provided, single submitter. Criteria: Ambry Variant Classification Scheme 2023. Collection method: clinical testing. Allele origin: germline.

Labcorp Genetics (formerly Invitae), Labcorp
Classification: Uncertain significance for Oligodontia-cancer predisposition syndrome. Last evaluated: 2023-05-02. Review status: criteria provided, single submitter. Criteria: Invitae Variant Classification Sherloc (09022015). Collection method: clinical testing. Allele origin: germline.
Comment: This sequence change replaces threonine, which is neutral and polar, with alanine, which is neutral and non-polar, at codon 680 of the AXIN2 protein (p.Thr680Ala). This variant is not present in population databases (gnomAD no frequency). This variant has not been reported in the literature in individuals affected with AXIN2-related conditions. ClinVar contains an entry for this variant (Variation ID: 1060353). Advanced modeling of protein sequence and biophysical properties (such as structural, functional, and spatial information, amino acid conservation, physicochemical variation, residue mobility, and thermodynamic stability) performed at Invitae indicates that this missense variant is not expected to disrupt AXIN2 protein function. In summary, the available evidence is currently insufficient to determine the role of this variant in disease. Therefore, it has been classified as a Variant of Uncertain Significance.